The following is an entry in ClinVar:

NM_000553.6(WRN):c.3599G>C (p.Arg1200Thr)

Gene: WRN (WRN RecQ like helicase; plus strand). Cytogenetic location: 8p12.
Variant type: single nucleotide variant.
Coding change: c.3599G>C on transcript NM_000553.6 (MANE Select); coding-DNA position 3599, G replaced by C.
Protein change: p.Arg1200Thr; replaces arginine 1200 with threonine.
Molecular consequence: missense variant.
Genome position (GRCh38, 1-based): chr8:31,150,367, G>C. VCF-style: chr8-31150367-G-C. GRCh37 (hg19) VCF-style: chr8-31007883-G-C.
Other names: short protein forms R1200T.
Identifiers: ClinVar variation 2716805 (VCV002716805.3), dbSNP rs2536049463, ClinGen allele CA370927485.

ClinVar aggregate classification (germline): Uncertain significance (1 of 4 stars; one submission).

Conditions:
Werner syndrome (WRN). Identifiers: Orphanet 902, MedGen C0043119, MONDO:0010196, OMIM 277700.

Submission:

Labcorp Genetics (formerly Invitae), Labcorp
Classification: Uncertain significance for Werner syndrome. Last evaluated: 2023-08-11. Review status: criteria provided, single submitter. Criteria: Invitae Variant Classification Sherloc (09022015). Collection method: clinical testing. Allele origin: germline.
Comment: This sequence change replaces arginine, which is basic and polar, with threonine, which is neutral and polar, at codon 1200 of the WRN protein (p.Arg1200Thr). This variant is not present in population databases (gnomAD no frequency). This variant has not been reported in the literature in individuals affected with WRN-related conditions. An algorithm developed to predict the effect of missense changes on protein structure and function (PolyPhen-2) suggests that this variant is likely to be tolerated. In summary, the available evidence is currently insufficient to determine the role of this variant in disease. Therefore, it has been classified as a Variant of Uncertain Significance.